The following is an entry in ClinVar:

NM_019066.5(MAGEL2):c.3012T>C (p.Ser1004=)

Gene: MAGEL2 (MAGE family member L2; minus strand). Cytogenetic location: 15q11.2.
Variant type: single nucleotide variant.
Coding change: c.3012T>C on transcript NM_019066.5 (MANE Select); coding-DNA position 3012, T replaced by C.
Protein change: p.Ser1004=; no amino-acid change (serine 1004 retained).
Molecular consequence: synonymous variant.
Genome position (GRCh38, 1-based): chr15:23,644,731, A>G on the plus strand (T>C on the coding strand, the complement: MAGEL2 is on the minus strand). VCF-style: chr15-23644731-A-G. GRCh37 (hg19) VCF-style: chr15-23889878-A-G.
Identifiers: ClinVar variation 1284829 (VCV001284829.12), dbSNP rs371333192, ClinGen allele CA7429767.
Genomic context (GRCh38, chr15:23,644,731, plus strand): 5'-TGCCCTCTCATCCAAGGGAGACAAGGGCTGTGCCTCCACCTTGGAATTATCCTGGGTGGC[A>G]CTGGATCCCGGAGAGACACTTGCGACCTCAGACACAACTACGGGCAGAGAGCTCCCTGGG-3'
Protein context (NP_061939.3, residues 994-1014): SEVASVSPGS[Ser1004=]ATQDNSKVEA

ClinVar aggregate classification (germline): Benign/Likely benign. Review status: criteria provided, multiple submitters, no conflicts (2 of 4 stars). 4 submissions from 4 submitters: Benign (1); Likely benign (1). 2 of the submissions do not count toward it. Last evaluated 2026-01-01.

Allele frequency attached by ClinVar (database versions not stated): gnomAD 0.00001 and 0.00036; TOPMed 0.00003; ESP Exome Variant Server 0.00008; gnomAD exomes 0.00046 and 0.00094; ExAC 0.00114; 1000 Genomes Project 30x 0.00234; 1000 Genomes Project 0.00240.
gnomAD v4.1: 737 of 1,613,774 alleles (0.046%); highest among the groups gnomAD compares: South Asian, 0.76%; 11 homozygotes.

Submissions (4):

CeGaT Center for Human Genetics Tuebingen
Classification: Likely benign. Last evaluated: 2026-01-01. Review status: criteria provided, single submitter. Criteria: CeGaT Center For Human Genetics Tuebingen Variant Classification Criteria Version 2. Collection method: clinical testing. Allele origin: germline. Affected: yes. Observed: 2 variant alleles.
Comment: MAGEL2: BP4, BP7, BS1

Labcorp Genetics (formerly Invitae), Labcorp
Classification: Benign. Last evaluated: 2025-12-30. Review status: criteria provided, single submitter. Criteria: Invitae Variant Classification Sherloc (09022015). Collection method: clinical testing. Allele origin: germline.

Clinical Genetics DNA and cytogenetics Diagnostics Lab, Erasmus MC, Erasmus Medical Center
Classification: Likely benign. Review status: no assertion criteria provided. Collection method: clinical testing. Allele origin: germline. Affected: yes. Study: VKGL Data-share Consensus. Not counted in ClinVar's aggregate classification.

Clinical Genetics, Academic Medical Center
Classification: Benign. Review status: no assertion criteria provided. Collection method: clinical testing. Allele origin: germline. Affected: yes. Study: VKGL Data-share Consensus. Not counted in ClinVar's aggregate classification.